The following is an entry in ClinVar:

NM_001267550.2(TTN):c.84920T>C (p.Ile28307Thr)

Genes: TTN (titin; minus strand), TTN-AS1 (TTN antisense RNA 1; plus strand). Cytogenetic location: 2q31.2.
Variant type: single nucleotide variant.
Coding change: c.84920T>C on transcript NM_001267550.2 (MANE Select); coding-DNA position 84920, T replaced by C.
Protein change: p.Ile28307Thr; replaces isoleucine 28307 with threonine.
Molecular consequence: missense variant.
Genome position (GRCh38, 1-based): chr2:178,561,212, A>G on the plus strand (T>C on the coding strand, the complement: TTN is on the minus strand). VCF-style: chr2-178561212-A-G. GRCh37 (hg19) VCF-style: chr2-179425939-A-G.
Other names: c.79997T>C, p.Ile26666Thr (NM_001256850.1); c.57725T>C, p.Ile19242Thr (NM_003319.4); c.77216T>C, p.Ile25739Thr (NM_133378.4); c.58100T>C, p.Ile19367Thr (NM_133432.3); c.58301T>C, p.Ile19434Thr (NM_133437.4); short protein forms I19367T, I19242T, I26666T, I25739T, I28307T, I19434T.
Identifiers: ClinVar variation 1749557 (VCV001749557.2), dbSNP rs1224788527, ClinGen allele CA349557329.

ClinVar aggregate classification (germline): Uncertain significance (1 of 4 stars; one submission).

Conditions:
Cardiovascular phenotype. Identifiers: MedGen CN230736.

Allele frequency attached by ClinVar (database versions not stated): gnomAD exomes below 0.00001; TOPMed below 0.00001; gnomAD 0.00001.
gnomAD v4.1: 6 of 1,613,458 alleles (0.00037%); highest among the groups gnomAD compares: African/African-American, 0.0027%; no homozygotes.

Submission:

Ambry Genetics
Classification: Uncertain significance for Cardiovascular phenotype. Last evaluated: 2020-05-15. Review status: criteria provided, single submitter. Criteria: Ambry Variant Classification Scheme 2023. Collection method: clinical testing. Allele origin: germline.
Comment: The p.I19242T variant (also known as c.57725T>C), located in coding exon 153 of the TTN gene, results from a T to C substitution at nucleotide position 57725. The isoleucine at codon 19242 is replaced by threonine, an amino acid with similar properties. This amino acid position is poorly conserved in available vertebrate species. In addition, this alteration is predicted to be tolerated by in silico analysis. Since supporting evidence is limited at this time, the clinical significance of this alteration remains unclear.